The following is an entry in ClinVar:

ClinVar aggregate classification (germline): Pathogenic. Review status: criteria provided, multiple submitters, no conflicts (2 of 4 stars). 3 submissions from 3 submitters: Pathogenic (2). 1 of the submissions does not count toward it. Last evaluated 2021-11-19.

Conditions:
Tuberous sclerosis syndrome (TSC). Also called: Tuberous sclerosis; Tuberous Sclerosis Complex. Identifiers: Orphanet 805, MedGen C0041341, MONDO:0001734.
Tuberous sclerosis 1 (TSC1). Identifiers: Orphanet 805, MedGen C1854465, MONDO:0008612, OMIM 191100.

Submissions (3):

Labcorp Genetics (formerly Invitae), Labcorp
Classification: Pathogenic for Tuberous sclerosis 1. Last evaluated: 2021-11-19. Review status: criteria provided, single submitter. Criteria: Invitae Variant Classification Sherloc (09022015). Collection method: clinical testing. Allele origin: germline.
Comment: ClinVar contains an entry for this variant (Variation ID: 64707). This premature translational stop signal has been observed in individual(s) with tuberous sclerosis (PMID: 21510812). This variant is not present in population databases (gnomAD no frequency). This sequence change creates a premature translational stop signal (p.Leu703Valfs*4) in the TSC1 gene. It is expected to result in an absent or disrupted protein product. Loss-of-function variants in TSC1 are known to be pathogenic (PMID: 10227394, 17304050). For these reasons, this variant has been classified as Pathogenic.

GeneDx
Classification: Pathogenic. Last evaluated: 2017-11-07. Review status: criteria provided, single submitter. Criteria: GeneDx Variant Classification (06012015). Collection method: clinical testing. Allele origin: germline. Affected: yes.
Comment: The c.2103_2106dupGTTA pathogenic variant in the TSC1 gene has been reported previously in an individual with a clinical diagnosis of TSC (TSC1 LOVD). This pathogenic variant causes a frameshift starting with codon Leucine 703, changes this amino acid to a Valine residue and creates a premature Stop codon at position 4 of the new reading frame, denoted p.Leu703ValfsX4. Thec.2103_2106dupGTTA variant is predicted to cause loss of normal protein function either throughprotein truncation or nonsense-mediated mRNA decay. Additionally, it is not observed in large population cohorts (Lek et al., 2016). Furthermore, other frameshift variants downstream of this position in the TSC1 protein have been reported in the Human Gene Mutation Database in association with TSC (Stenson et al., 2014). Therefore, the c.2103_2106dupGTTA variant is considered a pathogenic variant and its presence is consistent with the diagnosis of TSC in this individual.

Tuberous sclerosis database (TSC1)
No classification provided. Condition: TSC. Review status: no classification provided. Criteria: Tuberous Sclerosis Database Assertion Criteria 2015. Collection method: curation. Allele origin: germline. Affected: yes. Not counted in ClinVar's aggregate classification.

Literature cited by the submitters: PubMed 21510812 (cited by Labcorp Genetics (formerly Invitae), Labcorp); PubMed 10227394 (cited by Labcorp Genetics (formerly Invitae), Labcorp); PubMed 17304050 (cited by Labcorp Genetics (formerly Invitae), Labcorp).

NM_000368.5(TSC1):c.2103_2106dup (p.Leu703fs)

Gene: TSC1 (TSC complex subunit 1; minus strand). Cytogenetic location: 9q34.13.
Variant type: Duplication.
Coding change: c.2103_2106dup on transcript NM_000368.5 (MANE Select); coding-DNA positions 2103 to 2106, 4 bases duplicated (GTTA; older notation c.2103_2106dupGTTA).
Protein change: p.Leu703fs; shifts the reading frame from leucine 703.
Molecular consequence: frameshift variant.
Genome position (GRCh38, 1-based): chr9:132,903,753-132,903,756, TAAC duplicated on the plus strand (GTTA on the coding strand, the reverse complement: TSC1 is on the minus strand); duplicating any 4 consecutive bases within chr9:132,903,753-132,903,757 gives the same sequence; the c. name uses the placement nearest the transcript's 3' end. VCF-style (leftmost placement, unchanged base first): chr9-132903752-G-GTAAC. GRCh37 (hg19) VCF-style: chr9-135779139-G-GTAAC.
Other names: c.2103_2106dupGTTA (NM_000368.4); c.2100_2103dup, p.Leu702fs (NM_001162426.2); c.1950_1953dup, p.Leu652fs (NM_001162427.2); c.1740_1743dup, p.Leu582fs (NM_001362177.2); short protein forms L702fs, L652fs, L582fs, L703fs.
Identifiers: ClinVar variation 64707 (VCV000064707.8), dbSNP rs118203638, ClinGen allele CA264248.
Genomic context (GRCh38, chr9:132,903,752, plus strand): 5'-CCTTGCGGAGGAGCCGCCTGTTCCGGAGGGCATGCTGCTGCCTCTTAAAACGCTCATAGA[G>GTAAC]TAACTGGTTGTGCAGTAAAAGCAACTGGTCTCGGAGGGTGCGGATCTCATCTGAAGGAGG-3'